The following is an entry in ClinVar:

ClinVar aggregate classification (germline): Uncertain significance (1 of 4 stars; one submission).

Conditions:
Immunodeficiency 104. Also called: SCID, AUTOSOMAL RECESSIVE, T CELL-NEGATIVE, B CELL-POSITIVE, NK CELL-POSITIVE; Severe Combined Immune Deficiency, Autosomal Recessive, TCell -Negative, B Cell-Positive, NK Cell-Positive, IL7R-Related; IMMUNODEFICIENCY 104, SEVERE COMBINED; Severe combined immunodeficiency, autosomal recessive, T cell-negative, B cell-positive, NK cell-positive. Identifiers: MedGen C5676890, MONDO:0012163, OMIM 608971.

gnomAD v4.1: 3 of 1,611,498 alleles (0.00019%); highest among the groups gnomAD compares: Admixed American, 0.005%; no homozygotes.

Submission:

Labcorp Genetics (formerly Invitae), Labcorp
Classification: Uncertain significance for Immunodeficiency 104. Last evaluated: 2021-08-28. Review status: criteria provided, single submitter. Criteria: Invitae Variant Classification Sherloc (09022015). Collection method: clinical testing. Allele origin: germline.
Comment: This sequence change replaces valine with methionine at codon 148 of the IL7R protein (p.Val148Met). The valine residue is highly conserved and there is a small physicochemical difference between valine and methionine. This variant is not present in population databases (ExAC no frequency). This variant has not been reported in the literature in individuals affected with IL7R-related conditions. Algorithms developed to predict the effect of missense changes on protein structure and function are either unavailable or do not agree on the potential impact of this missense change (SIFT: "Deleterious"; PolyPhen-2: "Possibly Damaging"; Align-GVGD: "Class C0"). In summary, the available evidence is currently insufficient to determine the role of this variant in disease. Therefore, it has been classified as a Variant of Uncertain Significance.

NM_002185.5(IL7R):c.442G>A (p.Val148Met)

Gene: IL7R (interleukin 7 receptor; plus strand). Cytogenetic location: 5p13.2.
Variant type: single nucleotide variant.
Coding change: c.442G>A on transcript NM_002185.5 (MANE Select); coding-DNA position 442, G replaced by A.
Protein change: p.Val148Met; replaces valine 148 with methionine.
Molecular consequence: missense variant. On other transcripts: non-coding transcript variant (1).
Genome position (GRCh38, 1-based): chr5:35,871,118, G>A. VCF-style: chr5-35871118-G-A. GRCh37 (hg19) VCF-style: chr5-35871220-G-A.
Other names: short protein forms V148M.
Identifiers: ClinVar variation 951294 (VCV000951294.7), dbSNP rs200332345, ClinGen allele CA359429934.